The following is an entry in ClinVar:

NM_020937.4(FANCM):c.4616A>G (p.Asp1539Gly)

Gene: FANCM (FA complementation group M; plus strand). Cytogenetic location: 14q21.2.
Variant type: single nucleotide variant.
Coding change: c.4616A>G on transcript NM_020937.4 (MANE Select); coding-DNA position 4616, A replaced by G.
Protein change: p.Asp1539Gly; replaces aspartic acid 1539 with glycine.
Molecular consequence: missense variant.
Genome position (GRCh38, 1-based): chr14:45,185,317, A>G. VCF-style: chr14-45185317-A-G. GRCh37 (hg19) VCF-style: chr14-45654520-A-G.
Other names: c.4538A>G, p.Asp1513Gly (NM_001308133.2); short protein forms D1513G, D1539G.
Identifiers: ClinVar variation 4254583 (VCV004254583.1).
Genomic context (GRCh38, chr14:45,185,317, plus strand): 5'-CTGAAGAAGATGCAGAATATGTTTCATCAGATGAAAATGATGAGTCAGAAAATGAACAAG[A>G]TTCCTCATTACTTGACTTTTTAAATGATGAAACTCAACTTTCACAGGCTATAAATGGTAA-3'
Protein context (NP_065988.1, residues 1529-1549): DENDESENEQ[Asp1539Gly]SSLLDFLNDE

ClinVar aggregate classification (germline): Uncertain significance (1 of 4 stars; one submission).

Conditions:
Inborn genetic diseases. Identifiers: MedGen C0950123, MeSH D030342.

gnomAD v4.1: 3 of 1,595,946 alleles (0.00019%); highest among the groups gnomAD compares: South Asian, 0.0034%; no homozygotes.

Submission:

Ambry Genetics
Classification: Uncertain significance for Inborn genetic diseases. Last evaluated: 2025-07-09. Review status: criteria provided, single submitter. Criteria: Ambry Variant Classification Scheme 2023. Collection method: clinical testing. Allele origin: germline.
Comment: The p.D1539G variant (also known as c.4616A>G), located in coding exon 18 of the FANCM gene, results from an A to G substitution at nucleotide position 4616. The aspartic acid at codon 1539 is replaced by glycine, an amino acid with similar properties. This amino acid position is conserved. In addition, the in silico prediction for this alteration is inconclusive. Based on the available evidence, the clinical significance of this variant remains unclear.